The following is an entry in ClinVar:

NM_001365276.2(TNXB):c.6137A>T (p.Glu2046Val)

Gene: TNXB (tenascin XB; minus strand). Cytogenetic location: 6p21.33.
Variant type: single nucleotide variant.
Coding change: c.6137A>T on transcript NM_001365276.2 (MANE Select); coding-DNA position 6137, A replaced by T.
Protein change: p.Glu2046Val; replaces glutamic acid 2046 with valine.
Molecular consequence: missense variant.
Genome position (GRCh38, 1-based): chr6:32,068,473, T>A on the plus strand (A>T on the coding strand, the complement: TNXB is on the minus strand). VCF-style: chr6-32068473-T-A. GRCh37 (hg19) VCF-style: chr6-32036250-T-A.
Other names: c.6878A>T, p.Glu2293Val (NM_001428335.1); c.6137A>T, p.Glu2046Val (NM_019105.8); short protein forms E2293V, E2046V.
Identifiers: ClinVar variation 3971993 (VCV003971993.1).

ClinVar aggregate classification (germline): Uncertain significance (1 of 4 stars; one submission).

Conditions:
Cardiovascular phenotype. Identifiers: MedGen CN230736.

Submission:

Ambry Genetics
Classification: Uncertain significance for Cardiovascular phenotype. Last evaluated: 2025-04-12. Review status: criteria provided, single submitter. Criteria: Ambry Variant Classification Scheme 2023. Collection method: clinical testing. Allele origin: germline.
Comment: The p.E2046V variant (also known as c.6137A>T), located in coding exon 16 of the TNXB gene, results from an A to T substitution at nucleotide position 6137. The glutamic acid at codon 2046 is replaced by valine, an amino acid with dissimilar properties. This amino acid position is conserved. In addition, this alteration is predicted to be tolerated by in silico analysis. Based on the available evidence, the clinical significance of this variant remains unclear.